The following is an entry in ClinVar:

NM_001080453.3(INTS1):c.5540C>T (p.Ala1847Val)

Gene: INTS1 (integrator complex subunit 1; minus strand). Cytogenetic location: 7p22.3.
Variant type: single nucleotide variant.
Coding change: c.5540C>T on transcript NM_001080453.3 (MANE Select); coding-DNA position 5540, C replaced by T.
Protein change: p.Ala1847Val; replaces alanine 1847 with valine.
Molecular consequence: missense variant.
Genome position (GRCh38, 1-based): chr7:1,474,801, G>A on the plus strand (C>T on the coding strand, the complement: INTS1 is on the minus strand). VCF-style: chr7-1474801-G-A. GRCh37 (hg19) VCF-style: chr7-1514437-G-A.
Other names: short protein forms A1847V.
Identifiers: ClinVar variation 726061 (VCV000726061.8), dbSNP rs201606213, ClinGen allele CA4118396.

ClinVar aggregate classification (germline): Conflicting classifications of pathogenicity. Review status: criteria provided, conflicting classifications (1 of 4 stars). 4 submissions from 4 submitters: Uncertain significance (1); Likely benign (2). 1 of the submissions does not count toward it. Last evaluated 2024-06-19.

Conditions:
INTS1-related disorder. Also called: INTS1-related condition.

Allele frequency attached by ClinVar (database versions not stated): TOPMed 0.00155; ESP Exome Variant Server 0.00189; gnomAD exomes 0.00041; ExAC 0.00101; 1000 Genomes Project 0.00120; 1000 Genomes Project 30x 0.00156.
gnomAD v4.1: 540 of 1,589,464 alleles (0.034%); highest among the groups gnomAD compares: African/African-American, 0.54%; 1 homozygote.

Submissions (4):

Revvity Omics, Revvity
Classification: Uncertain significance. Last evaluated: 2024-06-19. Review status: criteria provided, single submitter. Criteria: ACMG Guidelines, 2015. Collection method: clinical testing. Allele origin: germline.

Labcorp Genetics (formerly Invitae), Labcorp
Classification: Likely benign. Last evaluated: 2019-12-31. Review status: criteria provided, single submitter. Criteria: Invitae Variant Classification Sherloc (09022015). Collection method: clinical testing. Allele origin: germline.

Breakthrough Genomics
Classification: Likely benign. Review status: criteria provided, single submitter. Criteria: ACMG Guidelines, 2015. Collection method: not provided. Allele origin: germline. Inheritance: Autosomal recessive inheritance. Affected: yes.

PreventionGenetics, part of Exact Sciences
Classification: Likely benign for INTS1-related condition. Last evaluated: 2019-10-28. Review status: no assertion criteria provided. Collection method: clinical testing. Allele origin: germline. Not counted in ClinVar's aggregate classification.
Comment: This variant is classified as likely benign based on ACMG/AMP sequence variant interpretation guidelines (Richards et al. 2015 PMID: 25741868, with internal and published modifications).